The following is an entry in ClinVar:

NM_017636.4(TRPM4):c.3641-2A>T

Gene: TRPM4 (transient receptor potential cation channel subfamily M member 4; plus strand). Cytogenetic location: 19q13.33.
Variant type: single nucleotide variant.
Coding change: c.3641-2A>T on transcript NM_017636.4 (MANE Select); the canonical splice acceptor site of the intron before coding-DNA position 3641, A replaced by T.
Molecular consequence: splice acceptor variant.
Genome position (GRCh38, 1-based): chr19:49,211,492, A>T. VCF-style: chr19-49211492-A-T. GRCh37 (hg19) VCF-style: chr19-49714749-A-T.
Other names: c.3206-2A>T (NM_001195227.2); c.2033-2A>T (NM_001321282.2); c.3296-2A>T (NM_001321281.2); c.3119-2A>T (NM_001321283.2); c.2579-2A>T (NM_001321285.2); c.3641-2A>T (NM_017636.3).
Identifiers: ClinVar variation 2147572 (VCV002147572.6), dbSNP rs201121122, ClinGen allele CA9570001.

ClinVar aggregate classification (germline): Conflicting classifications of pathogenicity. Review status: criteria provided, conflicting classifications (1 of 4 stars). 2 submissions from 2 submitters: Uncertain significance (1); Likely benign (1). Last evaluated 2025-09-13.

Conditions:
Progressive familial heart block type IB (PFHB1B). Identifiers: Orphanet 871, MedGen C1970298, MONDO:0011474, OMIM 604559.
Cardiovascular phenotype. Identifiers: MedGen CN230736.

Allele frequency attached by ClinVar (database versions not stated): gnomAD exomes 0.00001; gnomAD 0.00002; TOPMed 0.00004; ExAC 0.00007; 1000 Genomes Project 30x 0.00016; 1000 Genomes Project 0.00020.
gnomAD v4.1: 20 of 1,613,962 alleles (0.0012%); highest among the groups gnomAD compares: East Asian, 0.042%; no homozygotes.

Submissions (3):

Labcorp Genetics (formerly Invitae), Labcorp
Classification: Likely benign for Progressive familial heart block type IB. Last evaluated: 2025-09-13. Review status: criteria provided, single submitter. Criteria: Invitae Variant Classification Sherloc (09022015). Collection method: clinical testing. Allele origin: germline.

Ambry Genetics
Classification: Uncertain significance for Cardiovascular phenotype. Last evaluated: 2025-08-18. Review status: criteria provided, single submitter. Criteria: Ambry Variant Classification Scheme 2023. Collection method: clinical testing. Allele origin: germline.
Comment: The c.3641-2A>T intronic variant results from an A to T substitution two nucleotides upstream from coding exon 25 in the TRPM4 gene. This nucleotide position is highly conserved in available vertebrate species. In silico splice site analysis predicts that this alteration will weaken the native splice acceptor site and will result in the creation or strengthening of a novel splice acceptor site. Alterations that disrupt the canonical splice site are expected to cause aberrant splicing, resulting in an abnormal protein or a transcript that is subject to nonsense-mediated mRNA decay. However, loss of function of TRPM4 has not been established as a mechanism of disease. Based on the available evidence, the clinical significance of this alteration remains unclear.

Dr. Peter K. Rogan Lab, Western University
No classification provided (evidence only). Condition: Ovarian serous cystadenocarcinoma. Review status: no classification provided. Collection method: in vitro. Allele origin: not applicable. Functional consequence: retained intron. Not counted in ClinVar's aggregate classification.